The following is an entry in ClinVar:

NM_015378.4(VPS13D):c.9257C>T (p.Ser3086Leu)

Gene: VPS13D (vacuolar protein sorting 13 homolog D; plus strand). Cytogenetic location: 1p36.22.
Variant type: single nucleotide variant.
Coding change: c.9257C>T on transcript NM_015378.4 (MANE Select); coding-DNA position 9257, C replaced by T.
Protein change: p.Ser3086Leu; replaces serine 3086 with leucine.
Molecular consequence: missense variant.
Genome position (GRCh38, 1-based): chr1:12,349,200, C>T. VCF-style: chr1-12349200-C-T. GRCh37 (hg19) VCF-style: chr1-12409257-C-T.
Other names: c.9182C>T, p.Ser3061Leu (NM_018156.4); short protein forms S3061L, S3086L.
Identifiers: ClinVar variation 1311327 (VCV001311327.2), dbSNP rs753255422, ClinGen allele CA603391.
Genomic context (GRCh38, chr1:12,349,200, plus strand): 5'-TGTTAACCCTTATTTCTGTGGCAGAGCCAGTGGTGCTTCCTGCTATCATGCCAGGGGATT[C>T]GTTTGCTGTGCCTTTACACCTCACTTCTTGGCGGCTACAGGCCCGGCCCAAAGGATTGGG-3'
Protein context (NP_056193.2, residues 3076-3096): VVLPAIMPGD[Ser3086Leu]FAVPLHLTSW

ClinVar aggregate classification (germline): Uncertain significance (1 of 4 stars; one submission).

Allele frequency attached by ClinVar (database versions not stated): gnomAD 0.00001; gnomAD exomes 0.00001; ExAC 0.00002.
gnomAD v4.1: 9 of 1,613,934 alleles (0.00056%); highest among the groups gnomAD compares: East Asian, 0.0022%; no homozygotes.

Submission:

GeneDx
Classification: Uncertain significance. Last evaluated: 2019-09-05. Review status: criteria provided, single submitter. Criteria: GeneDx Variant Classification Process June 2021. Collection method: clinical testing. Allele origin: germline. Affected: yes.
Comment: Not observed at a significant frequency in large population cohorts (Lek et al., 2016); In silico analysis, which includes protein predictors and evolutionary conservation, supports a deleterious effect; Has not been previously published as pathogenic or benign to our knowledge